The following is an entry in ClinVar:

NM_001605.3(AARS1):c.1699C>T (p.Gln567Ter)

Gene: AARS1 (alanyl-tRNA synthetase 1; minus strand). Cytogenetic location: 16q22.1.
Variant type: single nucleotide variant.
Coding change: c.1699C>T on transcript NM_001605.3 (MANE Select); coding-DNA position 1699, C replaced by T.
Protein change: p.Gln567Ter; replaces glutamine 567 with a stop codon.
Molecular consequence: nonsense.
Genome position (GRCh38, 1-based): chr16:70,261,130, G>A on the plus strand (C>T on the coding strand, the complement: AARS1 is on the minus strand). VCF-style: chr16-70261130-G-A. GRCh37 (hg19) VCF-style: chr16-70295033-G-A.
Other names: short protein forms Q567*.
Identifiers: ClinVar variation 1799727 (VCV001799727.2), dbSNP rs992919450, ClinGen allele CA396559551.

ClinVar aggregate classification (germline): Pathogenic (1 of 4 stars; one submission).

Conditions:
Inborn genetic diseases. Identifiers: MedGen C0950123, MeSH D030342.

Submission:

Ambry Genetics
Classification: Pathogenic for Inborn genetic diseases. Last evaluated: 2021-08-05. Review status: criteria provided, single submitter. Criteria: Ambry Variant Classification Scheme 2023. Collection method: clinical testing. Allele origin: germline.
Comment: The p.Q567* pathogenic mutation (also known as c.1699C>T), located in coding exon 12 of the AARS gene, results from a C to T substitution at nucleotide position 1699. This changes the amino acid from a glutamine to a stop codon within coding exon 12. This alteration is expected to result in loss of function by premature protein truncation or nonsense-mediated mRNA decay. Although biallelic loss of function alterations in AARS have been associated with AARS-related early infantile epileptic encephalopathy (EIEE), haploinsufficiency for AARS has not been clearly established as a mechanism of disease for Charcot-Marie-Tooth disease, axonal, type 2N (CMT2N). Based on the supporting evidence, this variant is expected to be causative of EIEE when present along with a second pathogenic variant on the other allele; however, its clinical significance for CMT2N is unclear.